The following is an entry in ClinVar:

ClinVar aggregate classification (germline): Uncertain significance. Review status: criteria provided, multiple submitters, no conflicts (2 of 4 stars). 2 submissions from 2 submitters: Uncertain significance (2). Last evaluated 2025-03-26.

Allele frequency attached by ClinVar (database versions not stated): gnomAD 0.00002; gnomAD exomes 0.00003 and 0.00006; TOPMed 0.00003; ESP Exome Variant Server 0.00008; ExAC 0.00010; 1000 Genomes Project 30x 0.00016; 1000 Genomes Project 0.00020.
gnomAD v4.1: 43 of 1,613,996 alleles (0.0027%); highest among the groups gnomAD compares: South Asian, 0.026%; no homozygotes.

Submissions (2):

Labcorp Genetics (formerly Invitae), Labcorp
Classification: Uncertain significance. Last evaluated: 2025-03-26. Review status: criteria provided, single submitter. Criteria: Invitae Variant Classification Sherloc (09022015). Collection method: clinical testing. Allele origin: germline.
Comment: This sequence change replaces arginine, which is basic and polar, with histidine, which is basic and polar, at codon 687 of the ANKZF1 protein (p.Arg687His). This variant is present in population databases (rs368419834, gnomAD 0.04%). This variant has not been reported in the literature in individuals affected with ANKZF1-related conditions. ClinVar contains an entry for this variant (Variation ID: 1358571). An algorithm developed to predict the effect of missense changes on protein structure and function (PolyPhen-2) suggests that this variant is likely to be disruptive. In summary, the available evidence is currently insufficient to determine the role of this variant in disease. Therefore, it has been classified as a Variant of Uncertain Significance.

Ambry Genetics
Classification: Uncertain significance. Last evaluated: 2024-07-30. Review status: criteria provided, single submitter. Criteria: Ambry Variant Classification Scheme 2023. Collection method: clinical testing. Allele origin: germline.

NM_018089.3(ANKZF1):c.2060G>A (p.Arg687His)

Gene: ANKZF1 (ankyrin repeat and zinc finger peptidyl tRNA hydrolase 1; plus strand). Cytogenetic location: 2q35.
Variant type: single nucleotide variant.
Coding change: c.2060G>A on transcript NM_018089.3 (MANE Select); coding-DNA position 2060, G replaced by A.
Protein change: p.Arg687His; replaces arginine 687 with histidine.
Molecular consequence: missense variant.
Genome position (GRCh38, 1-based): chr2:219,236,324, G>A. VCF-style: chr2-219236324-G-A. GRCh37 (hg19) VCF-style: chr2-220101046-G-A.
Other names: c.2060G>A, p.Arg687His (NM_001042410.2); c.1430G>A, p.Arg477His (NM_001282792.2); c.2060G>A (NM_018089.2); short protein forms R687H, R477H.
Identifiers: ClinVar variation 1358571 (VCV001358571.9), dbSNP rs368419834, ClinGen allele CA2121307.